The following is an entry in ClinVar:

ClinVar aggregate classification (germline): Uncertain significance (1 of 4 stars; one submission).

Conditions:
PKD1L1-related disorder. Also called: PKD1L1-related condition.

gnomAD v4.1: 1 of 1,614,158 alleles (0.000062%); highest among the groups gnomAD compares: East Asian, 0.0022%; no homozygotes.

Submission:

PreventionGenetics, part of Exact Sciences
Classification: Uncertain significance for PKD1L1-related condition. Last evaluated: 2026-05-03. Review status: criteria provided, single submitter. Criteria: ACMG Guidelines, 2015. Collection method: clinical testing. Allele origin: germline.
Comment: The PKD1L1 c.4765A>G variant is predicted to result in the amino acid substitution p.Thr1589Ala. To our knowledge, this variant has not been reported in the literature or in a large population database (gnomAD), indicating this variant is rare. At this time, the clinical significance of this variant is uncertain due to the absence of conclusive functional and genetic evidence.

NM_138295.5(PKD1L1):c.4765A>G (p.Thr1589Ala)

Gene: PKD1L1 (polycystin 1 like 1, transient receptor potential channel interacting; minus strand). Cytogenetic location: 7p12.3.
Variant type: single nucleotide variant.
Coding change: c.4765A>G on transcript NM_138295.5 (MANE Select); coding-DNA position 4765, A replaced by G.
Protein change: p.Thr1589Ala; replaces threonine 1589 with alanine.
Molecular consequence: missense variant.
Genome position (GRCh38, 1-based): chr7:47,854,976, T>C on the plus strand (A>G on the coding strand, the complement: PKD1L1 is on the minus strand). VCF-style: chr7-47854976-T-C. GRCh37 (hg19) VCF-style: chr7-47894574-T-C.
Other names: short protein forms T1589A.
Identifiers: ClinVar variation 4993263 (VCV004993263.1).